The following is an entry in ClinVar:

NM_000443.4(ABCB4):c.1006-2A>C

Gene: ABCB4 (ATP binding cassette subfamily B member 4; minus strand). Cytogenetic location: 7q21.12.
Variant type: single nucleotide variant.
Coding change: c.1006-2A>C on transcript NM_000443.4 (MANE Select); the canonical splice acceptor site of the intron before coding-DNA position 1006, A replaced by C.
Molecular consequence: splice acceptor variant.
Genome position (GRCh38, 1-based): chr7:87,444,977, T>G on the plus strand (A>C on the coding strand, the complement: ABCB4 is on the minus strand). VCF-style: chr7-87444977-T-G. GRCh37 (hg19) VCF-style: chr7-87074293-T-G.
Other names: c.1006-2A>C (NM_018850.3, NM_018849.3).
Identifiers: ClinVar variation 502052 (VCV000502052.8), dbSNP rs1348606984, ClinGen allele CA368048216.

ClinVar aggregate classification (germline): Pathogenic. Review status: criteria provided, multiple submitters, no conflicts (2 of 4 stars). 2 submissions from 2 submitters: Pathogenic (2). Last evaluated 2023-02-11.

Allele frequency attached by ClinVar (database versions not stated): TOPMed below 0.00001.

Submissions (2):

Labcorp Genetics (formerly Invitae), Labcorp
Classification: Pathogenic. Last evaluated: 2023-02-11. Review status: criteria provided, single submitter. Criteria: Invitae Variant Classification Sherloc (09022015). Collection method: clinical testing. Allele origin: germline.
Comment: Disruption of this splice site has been observed in individual(s) with intrahepatic cholestasis (PMID: 30298496). In at least one individual the data is consistent with being in trans (on the opposite chromosome) from a pathogenic variant. ClinVar contains an entry for this variant (Variation ID: 502052). Algorithms developed to predict the effect of sequence changes on RNA splicing suggest that this variant may disrupt the consensus splice site. For these reasons, this variant has been classified as Pathogenic. This variant is not present in population databases (gnomAD no frequency). This sequence change affects an acceptor splice site in intron 9 of the ABCB4 gene. It is expected to disrupt RNA splicing. Variants that disrupt the donor or acceptor splice site typically lead to a loss of protein function (PMID: 16199547), and loss-of-function variants in ABCB4 are known to be pathogenic (PMID: 17726488, 25755532).

Eurofins Ntd Llc (ga)
Classification: Pathogenic. Last evaluated: 2017-05-19. Review status: criteria provided, single submitter. Criteria: EGL Classification Definitions 2015. Collection method: clinical testing. Allele origin: germline. Observed: 1 variant allele, 1 heterozygote.

Literature cited by the submitters: PubMed 30298496 (cited by Labcorp Genetics (formerly Invitae), Labcorp); PubMed 16199547 (cited by Labcorp Genetics (formerly Invitae), Labcorp); PubMed 17726488 (cited by Labcorp Genetics (formerly Invitae), Labcorp); PubMed 25755532 (cited by Labcorp Genetics (formerly Invitae), Labcorp).